The following is an entry in ClinVar:

ClinVar aggregate classification (germline): Conflicting classifications of pathogenicity. Review status: criteria provided, conflicting classifications (1 of 4 stars). 4 submissions from 4 submitters: Uncertain significance (3); Likely benign (1). Last evaluated 2026-07-06.

Conditions:
Hereditary cancer-predisposing syndrome. Also called: Tumor predisposition; Hereditary neoplastic syndrome; Neoplastic Syndromes, Hereditary; Hereditary Cancer Syndrome. Identifiers: Orphanet 140162, MedGen C0027672, MeSH D009386, MONDO:0015356.
Hereditary breast ovarian cancer syndrome. Also called: Hereditary breast and ovarian cancer; Hereditary breast and ovarian cancer syndrome (HBOC); Hereditary breast and/or ovarian cancer syndrome; Hereditary breast and ovarian cancer syndrome; Breast and ovarian cancer; BRCA1- and BRCA2-Associated Hereditary Breast and Ovarian Cancer. Identifiers: Orphanet 145, MedGen C0677776, MeSH D061325, MONDO:0003582. Disease mechanism: loss of function.

Submissions (4):

Ambry Genetics
Classification: Uncertain significance for Hereditary cancer-predisposing syndrome. Last evaluated: 2026-07-06. Review status: criteria provided, single submitter. Criteria: Ambry Variant Classification Scheme 2023. Collection method: clinical testing. Allele origin: germline.
Comment: The p.D1161V variant (also known as c.3482A>T), located in coding exon 10 of the BRCA2 gene, results from an A to T substitution at nucleotide position 3482. The aspartic acid at codon 1161 is replaced by valine, an amino acid with highly dissimilar properties. This amino acid position is conserved. In addition, the in silico prediction for this alteration is inconclusive. Based on the available evidence, the clinical significance of this variant remains unclear.

Color Diagnostics, LLC DBA Color Health
Classification: Uncertain significance for Hereditary cancer-predisposing syndrome. Last evaluated: 2025-10-03. Review status: criteria provided, single submitter. Criteria: ACMG Guidelines, 2015. Collection method: clinical testing. Allele origin: germline.
Comment: This missense variant replaces aspartic acid with valine at codon 1161 of the BRCA2 protein. Computational prediction suggests that this variant may not impact protein structure and function. To our knowledge, functional studies have not been reported for this variant. This variant has not been reported in individuals affected with BRCA2-related disorders in the literature. This variant has not been identified in the general population by the Genome Aggregation Database (gnomAD). The available evidence is insufficient to determine the role of this variant in disease conclusively. Therefore, this variant is classified as a Variant of Uncertain Significance.

Labcorp Genetics (formerly Invitae), Labcorp
Classification: Uncertain significance for Hereditary breast ovarian cancer syndrome. Last evaluated: 2025-05-05. Review status: criteria provided, single submitter. Criteria: Invitae Variant Classification Sherloc (09022015). Collection method: clinical testing. Allele origin: germline.
Comment: This sequence change replaces aspartic acid, which is acidic and polar, with valine, which is neutral and non-polar, at codon 1161 of the BRCA2 protein (p.Asp1161Val). This variant is not present in population databases (gnomAD no frequency). This variant has not been reported in the literature in individuals affected with BRCA2-related conditions. ClinVar contains an entry for this variant (Variation ID: 864508). Invitae Evidence Modeling of protein sequence and biophysical properties (such as structural, functional, and spatial information, amino acid conservation, physicochemical variation, residue mobility, and thermodynamic stability) indicates that this missense variant is not expected to disrupt BRCA2 protein function with a negative predictive value of 95%. In summary, the available evidence is currently insufficient to determine the role of this variant in disease. Therefore, it has been classified as a Variant of Uncertain Significance.

University of Washington Department of Laboratory Medicine, University of Washington
Classification: Likely benign for Hereditary cancer-predisposing syndrome. Last evaluated: 2023-03-23. Review status: criteria provided, single submitter. Criteria: Dines et al. (Genet Med. 2020). Collection method: curation. Allele origin: germline.
Comment: Missense variant in a coldspot region where missense variants are very unlikely to be pathogenic (PMID:31911673).

BRCA2 exon 11 coldspot. Reclassification based on statistical prior probability.

NM_000059.4(BRCA2):c.3482A>T (p.Asp1161Val)

Gene: BRCA2 (BRCA2 DNA repair associated; plus strand). Cytogenetic location: 13q13.1.
Variant type: single nucleotide variant.
Coding change: c.3482A>T on transcript NM_000059.4 (MANE Select); coding-DNA position 3482, A replaced by T.
Protein change: p.Asp1161Val; replaces aspartic acid 1161 with valine.
Molecular consequence: missense variant.
Genome position (GRCh38, 1-based): chr13:32,337,837, A>T. VCF-style: chr13-32337837-A-T. GRCh37 (hg19) VCF-style: chr13-32911974-A-T.
Other names: short protein forms D1161V.
Identifiers: ClinVar variation 864508 (VCV000864508.10), dbSNP rs1060502458, ClinGen allele CA387776870.